The following is an entry in ClinVar:

ClinVar aggregate classification (germline): Likely benign. Review status: criteria provided, multiple submitters, no conflicts (2 of 4 stars). 2 submissions from 2 submitters: Likely benign (2). Last evaluated 2026-08-11.

Conditions:
Gorlin syndrome. Also called: Basal cell nevus syndrome; Nevoid Basal Cell Carcinoma Syndrome. Identifiers: Orphanet 377, MedGen C0004779, MONDO:0007187.
PTCH1-related disorder. Also called: PTCH1-related disorders; PTCH1-related condition.

Submissions (2):

PreventionGenetics, part of Exact Sciences
Classification: Likely benign for PTCH1-related condition. Last evaluated: 2026-08-11. Review status: criteria provided, single submitter. Criteria: ACMG Guidelines, 2015. Collection method: clinical testing. Allele origin: germline.
Comment: This variant is classified as likely benign based on ACMG/AMP sequence variant interpretation guidelines (Richards et al. 2015 PMID: 25741868, with internal and published modifications).

Labcorp Genetics (formerly Invitae), Labcorp
Classification: Likely benign for Gorlin syndrome. Last evaluated: 2020-10-28. Review status: criteria provided, single submitter. Criteria: Invitae Variant Classification Sherloc (09022015). Collection method: clinical testing. Allele origin: germline.

NM_000264.5(PTCH1):c.654+8T>G

Gene: PTCH1 (patched 1; minus strand). Cytogenetic location: 9q22.32.
Variant type: single nucleotide variant.
Coding change: c.654+8T>G on transcript NM_000264.5 (MANE Select); 8 bases into the intron after coding-DNA position 654, T replaced by G.
Molecular consequence: intron variant.
Genome position (GRCh38, 1-based): chr9:95,482,126, A>C on the plus strand (T>G on the coding strand, the complement: PTCH1 is on the minus strand). VCF-style: chr9-95482126-A-C. GRCh37 (hg19) VCF-style: chr9-98244408-A-C.
Other names: c.654+8T>G (NM_000264.3, NM_001354918.2); c.651+8T>G (NM_001083603.3); c.456+8T>G (NM_001083602.3, NM_001354919.2); c.201+8T>G (NM_001083605.3, NM_001083604.3, NM_001083606.3 and 1 more transcripts).
Identifiers: ClinVar variation 1132211 (VCV001132211.10), dbSNP rs2118471579, ClinGen allele CA2499220084.